The following is an entry in ClinVar:

ClinVar aggregate classification (germline): Uncertain significance (1 of 4 stars; one submission).

Allele frequency attached by ClinVar (database versions not stated): ExAC 0.00001; gnomAD exomes 0.00002; TOPMed 0.00002.
gnomAD v4.1: 30 of 1,613,324 alleles (0.0019%); highest among the groups gnomAD compares: South Asian, 0.0055%; no homozygotes.

Submission:

Labcorp Genetics (formerly Invitae), Labcorp
Classification: Uncertain significance. Last evaluated: 2022-06-04. Review status: criteria provided, single submitter. Criteria: Invitae Variant Classification Sherloc (09022015). Collection method: clinical testing. Allele origin: germline.
Comment: In summary, the available evidence is currently insufficient to determine the role of this variant in disease. Therefore, it has been classified as a Variant of Uncertain Significance. This sequence change replaces arginine, which is basic and polar, with cysteine, which is neutral and slightly polar, at codon 588 of the EGF protein (p.Arg588Cys). This variant is present in population databases (rs758800260, gnomAD 0.004%). This variant has not been reported in the literature in individuals affected with EGF-related conditions. Algorithms developed to predict the effect of missense changes on protein structure and function are either unavailable or do not agree on the potential impact of this missense change (SIFT: "Not Available"; PolyPhen-2: "Possibly Damaging"; Align-GVGD: "Not Available").

NM_001963.6(EGF):c.1762C>T (p.Arg588Cys)

Gene: EGF (epidermal growth factor; plus strand). Cytogenetic location: 4q25.
Variant type: single nucleotide variant.
Coding change: c.1762C>T on transcript NM_001963.6 (MANE Select); coding-DNA position 1762, C replaced by T.
Protein change: p.Arg588Cys; replaces arginine 588 with cysteine.
Molecular consequence: missense variant.
Genome position (GRCh38, 1-based): chr4:109,974,740, C>T. VCF-style: chr4-109974740-C-T. GRCh37 (hg19) VCF-style: chr4-110895896-C-T.
Other names: c.1762C>T, p.Arg588Cys (NM_001178130.3); c.1636C>T, p.Arg546Cys (NM_001178131.3, NM_001357021.2); short protein forms R588C, R546C.
Identifiers: ClinVar variation 1903757 (VCV001903757.5), dbSNP rs758800260, ClinGen allele CA3043785.